The following is an entry in ClinVar:

NM_000143.4(FH):c.786_806del (p.Lys263_Ile269del)

Gene: FH (fumarate hydratase; minus strand). Cytogenetic location: 1q43.
Variant type: Deletion.
Coding change: c.786_806del on transcript NM_000143.4 (MANE Select); coding-DNA positions 786 to 806, 21 bases deleted (AAAAGCTGCCATGCCAAGAAT).
Protein change: p.Lys263_Ile269del.
Molecular consequence: inframe deletion.
Genome position (GRCh38, 1-based): chr1:241,506,101-241,506,121, ATTCTTGGCATGGCAGCTTTT deleted on the plus strand (AAAAGCTGCCATGCCAAGAAT on the coding strand, the reverse complement: FH is on the minus strand); deleting any 21 consecutive bases within chr1:241,506,101-241,506,128 gives the same sequence; the c. name uses the placement nearest the transcript's 3' end. VCF-style (leftmost placement, unchanged base first): chr1-241506100-GATTCTTGGCATGGCAGCTTTT-G. GRCh37 (hg19) VCF-style: chr1-241669400-GATTCTTGGCATGGCAGCTTTT-G.
Other names: c.786_806del21 (NM_000143.3); c.786_806delAAAAGCTGCCATGCCAAGAAT (NM_000143.3).
Identifiers: ClinVar variation 185496 (VCV000185496.19), dbSNP rs786202220, ClinGen allele CA192112.

ClinVar aggregate classification (germline): Pathogenic/Likely pathogenic. Review status: criteria provided, multiple submitters, no conflicts (2 of 4 stars). 6 submissions from 6 submitters: Pathogenic (3); Likely pathogenic (2). 1 of the submissions does not count toward it. Last evaluated 2025-12-10.

Conditions:
Hereditary cancer-predisposing syndrome. Also called: Tumor predisposition; Neoplastic Syndromes, Hereditary; Hereditary Cancer Syndrome; Hereditary neoplastic syndrome. Identifiers: Orphanet 140162, MedGen C0027672, MeSH D009386, MONDO:0015356.
Hereditary leiomyomatosis and renal cell cancer. Also called: MULTIPLE CUTANEOUS AND UTERINE LEIOMYOMATA 1, WITH OR WITHOUT RENAL CELL CARCINOMA; LEIOMYOMA, MULTIPLE CUTANEOUS; Familial leiomyomatosis; Multiple cutaneous leiomyomas; FH tumor predisposition syndrome; Reed syndrome. Identifiers: Orphanet 523, MedGen C1708350, MONDO:0007888, OMIM 150800, HP:0007437. Disease mechanism: loss of function.
Fumarase deficiency (FMRD). Also called: Fumaric aciduria; Fumarate Hydratase Deficiency. Identifiers: Orphanet 24, MedGen C0342770, MONDO:0011730, OMIM 606812.

Submissions (6):

Labcorp Genetics (formerly Invitae), Labcorp
Classification: Pathogenic. Last evaluated: 2025-12-10. Review status: criteria provided, single submitter. Criteria: Invitae Variant Classification Sherloc (09022015). Collection method: clinical testing. Allele origin: germline.
Comment: This variant, c.786_806del, results in the deletion of 7 amino acid(s) of the FH protein (p.Lys263_Ile269del), but otherwise preserves the integrity of the reading frame. This variant is not present in population databases (gnomAD no frequency). This variant has been observed in individuals with hereditary leiomyomatosis and renal cell cancer (HLRCC) (internal data). ClinVar contains an entry for this variant (Variation ID: 185496). Experimental studies and prediction algorithms are not available or were not evaluated, and the functional significance of this variant is currently unknown. For these reasons, this variant has been classified as Pathogenic.

Ambry Genetics
Classification: Pathogenic for Hereditary cancer-predisposing syndrome. Last evaluated: 2025-02-25. Review status: criteria provided, single submitter. Criteria: Ambry Variant Classification Scheme 2023. Collection method: clinical testing. Allele origin: germline.
Comment: The c.786_806del21 pathogenic mutation (also known as p.I262_R268del) is located in coding exon 6 of the FH gene. This variant results from an in-frame deletion of 21 nucleotides from positions 786 to 806. This results in the deletion of 7 amino acid residues from codons 262 to 268. The exact functional impact of these amino acids is unknown at this time; however, internal structural analysis suggests the I262_R268del alteration results in a distortion of the alpha-helix of the protein-protein interface, significantly altering the surrounding residues (Kavanagh KL et al. Crystal structure of human fumarate hydratase. Structural Genomics Consortium. Protein Data Bank, accessed 10/13/2015. DOI:10.2210/pdb3e04/pdb). This variant was reported in individual(s) with features consistent with FH-associated disease (Ambry internal data). This variant is considered to be rare based on population cohorts in the Genome Aggregation Database (gnomAD). This amino acid region is well conserved in available vertebrate species. In addition, this alteration is predicted to be deleterious by in silico analysis (Choi Y et al. PLoS ONE. 2012; 7(10):e46688). Based on the supporting evidence, this alteration is interpreted as a disease-causing mutation.

Myriad Genetics, Inc.
Classification: Likely pathogenic for Hereditary leiomyomatosis and renal cell cancer. Last evaluated: 2023-07-12. Review status: criteria provided, single submitter. Criteria: Myriad Autosomal Dominant, Autosomal Recessive and X-Linked Classification Criteria (2023). Collection method: clinical testing. Allele origin: unknown.
Comment: This variant is considered likely pathogenic. This variant has been reported in multiple individuals with clinical features of gene-specific disease. This variant is expected to disrupt protein structure [Myriad internal data].

Quest Diagnostics Nichols Institute San Juan Capistrano
Classification: Pathogenic. Last evaluated: 2023-06-12. Review status: criteria provided, single submitter. Criteria: Quest Diagnostics criteria. Collection method: clinical testing. Allele origin: unknown.
Comment: The FH c.786_806del (p.Lys263_Ile269del) variant has been reported in individuals with hereditary leiomyomatosis and renal cell cancer (HLRCC). There are no published functional effects of this variant. However, structural analysis revealed that this variant may be present in a region critical to protein function and results in a disruption of nearby residues (PMID: 21445611 (2011)). This variant has not been reported in large, multi-ethnic general populations (Genome Aggregation Database). Based on the available information, this variant is classified as pathogenic.

GeneDx
Classification: Likely pathogenic. Last evaluated: 2020-03-10. Review status: criteria provided, single submitter. Criteria: GeneDx Variant Classification Process June 2021. Collection method: clinical testing. Allele origin: germline. Affected: yes.
Comment: Not observed in large population cohorts (Lek et al., 2016); In-frame deletion of 7 amino acids in a non-repeat region; In silico analysis supports a deleterious effect on protein structure/function; Has not been previously published as pathogenic or benign to our knowledge

Baylor Genetics
Classification: Uncertain significance for Fumarase deficiency. Last evaluated: 2023-06-01. Review status: flagged submission. Criteria: ACMG Guidelines, 2015. Collection method: clinical testing. Allele origin: unknown. Not counted in ClinVar's aggregate classification.
ClinVar note: Reason: Outlier claim with insufficient supporting evidence

Literature cited by the submitters: PubMed 21445611 (cited by Quest Diagnostics Nichols Institute San Juan Capistrano).